The following is an entry in ClinVar:

ClinVar aggregate classification (germline): Likely pathogenic (1 of 4 stars; one submission).

Conditions:
Developmental and epileptic encephalopathy, 11 (DEE11). Also called: Early infantile epileptic encephalopathy 11. Identifiers: Orphanet 1934, MedGen C3150987, MONDO:0013388, OMIM 613721.
Seizures, benign familial infantile, 3 (BFIS3). Also called: Familial neonatal seizures; CONVULSIONS, BENIGN FAMILIAL INFANTILE, 3. Identifiers: Orphanet 140927, Orphanet 306, MedGen C1843140, MONDO:0011904, OMIM 607745.

Submission:

Labcorp Genetics (formerly Invitae), Labcorp
Classification: Likely pathogenic for Seizures, benign familial infantile, 3; Developmental and epileptic encephalopathy, 11. Last evaluated: 2019-08-21. Review status: criteria provided, single submitter. Criteria: Invitae Variant Classification Sherloc (09022015). Collection method: clinical testing. Allele origin: germline.
Comment: In summary, the currently available evidence indicates that the variant is pathogenic, but additional data are needed to prove that conclusively. Therefore, this variant has been classified as Likely Pathogenic. Experimental studies and prediction algorithms are not available or were not evaluated for this variant, and the functional significance of this variant is currently unknown. This variant has been observed in individual(s) with early onset epilepsy (Invitae). In at least one individual the variant was observed to be de novo. This variant is not present in population databases (ExAC no frequency). This variant, c.2989_2991del, results in the deletion of 1 amino acid(s) of the SCN2A protein (p.Asp997del), but otherwise preserves the integrity of the reading frame.

NM_001040142.2(SCN2A):c.2983GAT[2] (p.Asp997del)

Gene: SCN2A (sodium voltage-gated channel alpha subunit 2; plus strand). Cytogenetic location: 2q24.3.
Variant type: Microsatellite.
Coding change: c.2983GAT[2] on transcript NM_001040142.2 (MANE Select); two copies in a row of the 3-base unit GAT starting at c.2983; the reference has three copies in a row; one copy, 3 bases deleted.
Protein change: p.Asp997del; deletes aspartic acid 997.
Molecular consequence: inframe deletion.
Genome position (GRCh38, 1-based): chr2:165,354,261-165,354,263, GAT deleted; deleting any 3 consecutive bases within chr2:165,354,254-165,354,263 gives the same sequence; the position shown is the placement nearest the transcript's 3' end. VCF-style (leftmost placement, unchanged base first): chr2-165354253-CTGA-C. GRCh37 (hg19) VCF-style: chr2-166210763-CTGA-C.
Other names: c.2983GAT[2], p.Asp997del (NM_001040143.2, NM_001371246.1, NM_001371247.1 and 1 more transcripts); short protein forms D997del.
Identifiers: ClinVar variation 948912 (VCV000948912.10), dbSNP rs1700070748, ClinGen allele CA1304549981.